The following is an entry in ClinVar:

NM_012188.5(FOXI1):c.822C>T (p.Gly274=)

Gene: FOXI1 (forkhead box I1; plus strand). Cytogenetic location: 5q35.1.
Variant type: single nucleotide variant.
Coding change: c.822C>T on transcript NM_012188.5 (MANE Select); coding-DNA position 822, C replaced by T.
Protein change: p.Gly274=; no amino-acid change (glycine 274 retained).
Molecular consequence: synonymous variant. On other transcripts: intron variant (1).
Genome position (GRCh38, 1-based): chr5:170,108,296, C>T. VCF-style: chr5-170108296-C-T. GRCh37 (hg19) VCF-style: chr5-169535300-C-T.
Other names: c.575-38C>T (NM_144769.4).
Identifiers: ClinVar variation 352706 (VCV000352706.40), dbSNP rs149203108, ClinGen allele CA3555109.
Genomic context (GRCh38, chr5:170,108,296, plus strand): 5'-AGCCTCACCAGGGGGCACCACCAGCTCCCCAGAGAAGCGGCCCTCCCCTCCCCCATCAGG[C>T]GCCCCTTGCCTTAACAGCTTCCTTTCCTCTATGACAGCCTATGTGAGCGGGGGGAGCCCC-3'
Protein context (NP_036320.2, residues 264-284): PEKRPSPPPS[Gly274=]APCLNSFLSS

ClinVar aggregate classification (germline): Conflicting classifications of pathogenicity. Review status: criteria provided, conflicting classifications (1 of 4 stars). 6 submissions from 6 submitters: Uncertain significance (1); Benign (1); Likely benign (3). 1 of the submissions does not count toward it. Last evaluated 2025-11-17.

Conditions:
FOXI1-related disorder. Also called: FOXI1-related condition.
Autosomal recessive nonsyndromic hearing loss 4 (DFNB4). Also called: Deafness, autosomal recessive 4, with enlarged vestibular aqueduct; DEAFNESS, AUTOSOMAL RECESSIVE 4, WITH ENLARGED VESTIBULAR AQUEDUCT, DIGENIC; NEUROSENSORY NONSYNDROMIC RECESSIVE DEAFNESS 4; Nonsyndromic enlarged vestibular aqueduct (NSEVA); Deafness, autosomal recessive 4; Enlarged vestibular aqueduct, digenic. Identifiers: Orphanet 90636, MedGen C3538946, MONDO:0010933, OMIM 600791.

Allele frequency attached by ClinVar (database versions not stated): 1000 Genomes Project 30x 0.00016; 1000 Genomes Project 0.00020; ESP Exome Variant Server 0.00031; TOPMed 0.00036; gnomAD exomes 0.00060 and 0.00084; ExAC 0.00069; gnomAD 0.00105.
gnomAD v4.1: 981 of 1,614,130 alleles (0.061%); highest among the groups gnomAD compares: Non-Finnish European, 0.053%; 2 homozygotes.

Submissions (6):

Labcorp Genetics (formerly Invitae), Labcorp
Classification: Benign. Last evaluated: 2025-11-17. Review status: criteria provided, single submitter. Criteria: Invitae Variant Classification Sherloc (09022015). Collection method: clinical testing. Allele origin: germline.

Blueprint Genetics
Classification: Likely benign. Last evaluated: 2024-11-20. Review status: criteria provided, single submitter. Criteria: ACMG Guidelines, 2015. Collection method: clinical testing. Allele origin: germline.

CeGaT Center for Human Genetics Tuebingen
Classification: Likely benign. Last evaluated: 2022-06-01. Review status: criteria provided, single submitter. Criteria: CeGaT Center For Human Genetics Tuebingen Variant Classification Criteria Version 2. Collection method: clinical testing. Allele origin: germline. Affected: yes. Observed: 1 variant allele.
Comment: FOXI1: BP4, BP7

GeneDx
Classification: Likely benign. Last evaluated: 2020-11-05. Review status: criteria provided, single submitter. Criteria: GeneDx Variant Classification Process June 2021. Collection method: clinical testing. Allele origin: germline. Affected: yes.

Illumina Laboratory Services, Illumina
Classification: Uncertain significance for Autosomal recessive nonsyndromic hearing loss 4. Last evaluated: 2018-01-13. Review status: criteria provided, single submitter. Criteria: ICSL Variant Classification Criteria 13 December 2019. Collection method: clinical testing. Allele origin: germline.

PreventionGenetics, part of Exact Sciences
Classification: Likely benign for FOXI1-related condition. Last evaluated: 2020-03-31. Review status: no assertion criteria provided. Collection method: clinical testing. Allele origin: germline. Not counted in ClinVar's aggregate classification.
Comment: This variant is classified as likely benign based on ACMG/AMP sequence variant interpretation guidelines (Richards et al. 2015 PMID: 25741868, with internal and published modifications).